The following is an entry in ClinVar:

ClinVar aggregate classification (germline): Uncertain significance (1 of 4 stars; one submission).

Conditions:
Primary ciliary dyskinesia. Also called: Ciliary dyskinesia. Identifiers: Orphanet 244, MedGen C0008780, MONDO:0016575, HP:0012265.

Allele frequency attached by ClinVar (database versions not stated): gnomAD exomes below 0.00001.
gnomAD v4.1: 1 of 1,614,144 alleles (0.000062%); highest among the groups gnomAD compares: Admixed American, 0.0017%; no homozygotes.

Submission:

Ambry Genetics
Classification: Uncertain significance for Primary ciliary dyskinesia. Last evaluated: 2022-08-07. Review status: criteria provided, single submitter. Criteria: Ambry Variant Classification Scheme 2023. Collection method: clinical testing. Allele origin: germline.
Comment: The p.A608V variant (also known as c.1823C>T), located in coding exon 11 of the DNAAF1 gene, results from a C to T substitution at nucleotide position 1823. The alanine at codon 608 is replaced by valine, an amino acid with similar properties. This amino acid position is conserved. In addition, this alteration is predicted to be tolerated by in silico analysis. Since supporting evidence is limited at this time, the clinical significance of this alteration remains unclear.

NM_178452.6(DNAAF1):c.1823C>T (p.Ala608Val)

Gene: DNAAF1 (dynein axonemal assembly factor 1; plus strand). Cytogenetic location: 16q24.1.
Variant type: single nucleotide variant.
Coding change: c.1823C>T on transcript NM_178452.6 (MANE Select); coding-DNA position 1823, C replaced by T.
Protein change: p.Ala608Val; replaces alanine 608 with valine.
Molecular consequence: missense variant.
Genome position (GRCh38, 1-based): chr16:84,176,057, C>T. VCF-style: chr16-84176057-C-T. GRCh37 (hg19) VCF-style: chr16-84209663-C-T.
Other names: c.1115C>T, p.Ala372Val (NM_001318756.1); short protein forms A608V, A372V.
Identifiers: ClinVar variation 1780794 (VCV001780794.2), dbSNP rs1490108952, ClinGen allele CA396950689.